The following is an entry in ClinVar:

ClinVar aggregate classification (germline): Uncertain significance. Review status: criteria provided, multiple submitters, no conflicts (2 of 4 stars). 4 submissions from 4 submitters: Uncertain significance (3). 1 of the submissions does not count toward it. Last evaluated 2023-04-28.

Conditions:
Chronic granulomatous disease. Identifiers: Orphanet 379, MedGen C0018203, MONDO:0018305.
Granulomatous disease, chronic, autosomal recessive, cytochrome b-negative. Also called: CYBA DEFICIENCY; CGD DUE TO DEFICIENCY OF THE ALPHA SUBUNIT OF CYTOCHROME b; CGD, AUTOSOMAL RECESSIVE CYTOCHROME b-NEGATIVE; Chronic granulomatous disease, autosomal, due to deficiency of CYBA; GRANULOMATOUS DISEASE, CHRONIC, AUTOSOMAL RECESSIVE, 4. Identifiers: Orphanet 379, MedGen C1856255, MONDO:0009308, OMIM 233690.

Allele frequency attached by ClinVar (database versions not stated): TOPMed 0.00002.
gnomAD v4.1: 20 of 1,613,840 alleles (0.0012%); highest among the groups gnomAD compares: Middle Eastern, 0.033%; no homozygotes.

Submissions (4):

Blueprint Genetics
Classification: Uncertain significance. Last evaluated: 2023-04-28. Review status: criteria provided, single submitter. Criteria: ACMG Guidelines, 2015. Collection method: clinical testing. Allele origin: germline.

GeneDx
Classification: Uncertain significance. Last evaluated: 2022-12-14. Review status: criteria provided, single submitter. Criteria: GeneDx Variant Classification Process June 2021. Collection method: clinical testing. Allele origin: germline. Affected: yes.
Comment: In silico analysis supports that this missense variant has a deleterious effect on protein structure/function; Has not been previously published as pathogenic or benign to our knowledge

Labcorp Genetics (formerly Invitae), Labcorp
Classification: Uncertain significance for Granulomatous disease, chronic, autosomal recessive, cytochrome b-negative. Last evaluated: 2022-08-10. Review status: criteria provided, single submitter. Criteria: Invitae Variant Classification Sherloc (09022015). Collection method: clinical testing. Allele origin: germline.
Comment: This sequence change replaces glycine, which is neutral and non-polar, with arginine, which is basic and polar, at codon 81 of the CYBA protein (p.Gly81Arg). This variant is present in population databases (rs754773481, gnomAD 0.007%). This variant has not been reported in the literature in individuals affected with CYBA-related conditions. ClinVar contains an entry for this variant (Variation ID: 664427). Algorithms developed to predict the effect of missense changes on protein structure and function (SIFT, PolyPhen-2, Align-GVGD) all suggest that this variant is likely to be disruptive. In summary, the available evidence is currently insufficient to determine the role of this variant in disease. Therefore, it has been classified as a Variant of Uncertain Significance.

Natera, Inc.
Classification: Uncertain significance for Chronic granulomatous disease. Last evaluated: 2020-09-16. Review status: no assertion criteria provided. Collection method: clinical testing. Allele origin: germline. Not counted in ClinVar's aggregate classification.

NM_000101.4(CYBA):c.241G>C (p.Gly81Arg)

Gene: CYBA (cytochrome b-245 alpha chain; minus strand). Cytogenetic location: 16q24.2.
Variant type: single nucleotide variant.
Coding change: c.241G>C on transcript NM_000101.4 (MANE Select); coding-DNA position 241, G replaced by C.
Protein change: p.Gly81Arg; replaces glycine 81 with arginine.
Molecular consequence: missense variant.
Genome position (GRCh38, 1-based): chr16:88,646,801, C>G on the plus strand (G>C on the coding strand, the complement: CYBA is on the minus strand). VCF-style: chr16-88646801-C-G. GRCh37 (hg19) VCF-style: chr16-88713209-C-G.
Other names: c.241G>C (NM_000101.2); short protein forms G81R.
Identifiers: ClinVar variation 664427 (VCV000664427.8), dbSNP rs754773481, ClinGen allele CA8228344.